The following is an entry in ClinVar:

ClinVar aggregate classification (germline): Pathogenic (1 of 4 stars; one submission).

Conditions:
DiGeorge syndrome. Also called: Catch22; THIRD AND FOURTH PHARYNGEAL POUCH SYNDROME. Identifiers: Orphanet 567, MedGen C0012236, MONDO:0008564, OMIM 188400.

Submission:

Labcorp Genetics (formerly Invitae), Labcorp
Classification: Pathogenic for DiGeorge sequence. Last evaluated: 2020-01-05. Review status: criteria provided, single submitter. Criteria: Invitae Variant Classification Sherloc (09022015). Collection method: clinical testing. Allele origin: germline.
Comment: A gross deletion of the genomic region encompassing the full coding sequence of the TBX1 gene has been identified. The boundaries of this event are unknown as the deletion extends beyond the assayed region for this gene and therefore may encompass additional genes. Contiguous gene deletions that include TBX1 have been observed in multiple individuals with congenital heart disease, DiGeorge syndrome, and pulmonary atresia (PMID: 25205790, 25516202, 24826987). Loss-of-function variants in TBX1 are known to be pathogenic (PMID: 11239417, 11242049). For these reasons, this variant has been classified as Pathogenic.

Literature cited by the submitters: PubMed 25516202; PubMed 24826987; PubMed 25205790.

NC_000022.10:g.(?_18900668)_(19770565_?)del

Genes: TSSK2 (testis specific serine kinase 2; plus strand), CLDN5 (claudin 5; minus strand), GSC2 (goosecoid homeobox 2; minus strand), HIRA (histone cell cycle regulator; minus strand), SEPTIN5 (septin 5; plus strand) and 11 more. Cytogenetic location: 22q11.21.
Variant type: Deletion.
Identifiers: ClinVar variation 455788 (VCV000455788.3).